The following is an entry in ClinVar:

NM_152490.5(B3GALNT2):c.699del (p.Val234fs)

Gene: B3GALNT2 (beta-1,3-N-acetylgalactosaminyltransferase 2; minus strand). Cytogenetic location: 1q42.3.
Variant type: Deletion.
Coding change: c.699del on transcript NM_152490.5 (MANE Select); coding-DNA position 699, one base deleted (T; older notation c.699delT).
Protein change: p.Val234fs; shifts the reading frame from valine 234.
Molecular consequence: frameshift variant.
Genome position (GRCh38, 1-based): chr1:235,470,913, A deleted on the plus strand (T on the coding strand, the reverse complement: B3GALNT2 is on the minus strand); the first of 2 consecutive A bases (chr1:235,470,913-235,470,914); deleting either gives the same sequence. VCF-style (leftmost placement, unchanged base first): chr1-235470912-CA-C. GRCh37 (hg19) VCF-style: chr1-235634226-CA-C.
Other names: c.822del, p.Val275fs (NM_001277155.3); c.699delT (NM_152490.4); short protein forms V234fs, V275fs.
Identifiers: ClinVar variation 648191 (VCV000648191.6), dbSNP rs1572513308, ClinGen allele CA915942064.

ClinVar aggregate classification (germline): Pathogenic (1 of 4 stars; one submission).

Conditions:
Muscular dystrophy-dystroglycanopathy (congenital with brain and eye anomalies), type a, 11 (MDDGA11). Also called: WALKER-WARBURG SYNDROME OR MUSCLE-EYE-BRAIN DISEASE, B3GALNT2-RELATED; Congenital muscular dystrophy-dystroglycanopathy with brain and eye anomalies, type A11; Muscular dystrophy-dystroglycanopathy (congenital with brain and eye anomalies, type A, 11. Identifiers: Orphanet 588, Orphanet 899, MedGen C3554638, MONDO:0014071, OMIM 615181.

Submission:

Labcorp Genetics (formerly Invitae), Labcorp
Classification: Pathogenic for Muscular dystrophy-dystroglycanopathy (congenital with brain and eye anomalies), type a, 11. Last evaluated: 2022-08-19. Review status: criteria provided, single submitter. Criteria: Invitae Variant Classification Sherloc (09022015). Collection method: clinical testing. Allele origin: germline.
Comment: For these reasons, this variant has been classified as Pathogenic. ClinVar contains an entry for this variant (Variation ID: 648191). This variant has not been reported in the literature in individuals affected with B3GALNT2-related conditions. This variant is not present in population databases (gnomAD no frequency). This sequence change creates a premature translational stop signal (p.Val234Cysfs*8) in the B3GALNT2 gene. It is expected to result in an absent or disrupted protein product. Loss-of-function variants in B3GALNT2 are known to be pathogenic (PMID: 23453667).

Literature cited by the submitters: PubMed 23453667.